The following is an entry in ClinVar:

NM_006922.4(SCN3A):c.3153T>G (p.Asn1051Lys)

Gene: SCN3A (sodium voltage-gated channel alpha subunit 3; minus strand). Cytogenetic location: 2q24.3.
Variant type: single nucleotide variant.
Coding change: c.3153T>G on transcript NM_006922.4 (MANE Select); coding-DNA position 3153, T replaced by G.
Protein change: p.Asn1051Lys; replaces asparagine 1051 with lysine.
Molecular consequence: missense variant.
Genome position (GRCh38, 1-based): chr2:165,127,871, A>C on the plus strand (T>G on the coding strand, the complement: SCN3A is on the minus strand). VCF-style: chr2-165127871-A-C. GRCh37 (hg19) VCF-style: chr2-165984381-A-C.
Other names: c.3006T>G, p.Asn1002Lys (NM_001081676.2, NM_001081677.2); short protein forms N1002K, N1051K.
Identifiers: ClinVar variation 1019226 (VCV001019226.8), dbSNP rs1687085597, ClinGen allele CA349040992.

ClinVar aggregate classification (germline): Uncertain significance (1 of 4 stars; one submission).

Submission:

Labcorp Genetics (formerly Invitae), Labcorp
Classification: Uncertain significance. Last evaluated: 2024-04-12. Review status: criteria provided, single submitter. Criteria: Invitae Variant Classification Sherloc (09022015). Collection method: clinical testing. Allele origin: germline.
Comment: This sequence change replaces asparagine, which is neutral and polar, with lysine, which is basic and polar, at codon 1051 of the SCN3A protein (p.Asn1051Lys). This variant is not present in population databases (gnomAD no frequency). This variant has not been reported in the literature in individuals affected with SCN3A-related conditions. ClinVar contains an entry for this variant (Variation ID: 1019226). Advanced modeling of protein sequence and biophysical properties (such as structural, functional, and spatial information, amino acid conservation, physicochemical variation, residue mobility, and thermodynamic stability) performed at Invitae indicates that this missense variant is not expected to disrupt SCN3A protein function with a negative predictive value of 95%. In summary, the available evidence is currently insufficient to determine the role of this variant in disease. Therefore, it has been classified as a Variant of Uncertain Significance.